The following is an entry in ClinVar:

NM_001364905.1(LRBA):c.1868ACT[2] (p.Tyr625del)

Gene: LRBA (LPS responsive beige-like anchor protein; minus strand). Cytogenetic location: 4q31.3.
Variant type: Microsatellite.
Coding change: c.1868ACT[2] on transcript NM_001364905.1 (MANE Select); two copies in a row of the 3-base unit ACT starting at c.1868; the reference has three copies in a row; one copy, 3 bases deleted.
Protein change: p.Tyr625del; deletes tyrosine 625.
Molecular consequence: inframe deletion. On other transcripts: inframe indel (2).
Genome position (GRCh38, 1-based): chr4:150,900,097-150,900,099, AGT deleted on the plus strand (ACT on the coding strand, the reverse complement: LRBA is on the minus strand); deleting any 3 consecutive bases within chr4:150,900,097-150,900,106 gives the same sequence; the position shown is the placement nearest the transcript's 3' end. VCF-style (leftmost placement, unchanged base first): chr4-150900096-CAGT-C. GRCh37 (hg19) VCF-style: chr4-151821248-CAGT-C.
Other names: c.1867_1869TAC[2], p.Tyr625del (NM_001199282.3, NM_006726.5); c.1868ACT[2], p.Tyr625del (NM_001367550.1); short protein forms Y625del.
Identifiers: ClinVar variation 1348810 (VCV001348810.8), dbSNP rs2127132579, ClinGen allele CA2580616788.

ClinVar aggregate classification (germline): Uncertain significance (1 of 4 stars; one submission).

Conditions:
Combined immunodeficiency due to LRBA deficiency. Also called: Common variable immunodeficiency 8, with autoimmunity. Identifiers: Orphanet 445018, MedGen C3553512, MONDO:0013863, OMIM 614700.

Submission:

Labcorp Genetics (formerly Invitae), Labcorp
Classification: Uncertain significance for Combined immunodeficiency due to LRBA deficiency. Last evaluated: 2022-07-05. Review status: criteria provided, single submitter. Criteria: Invitae Variant Classification Sherloc (09022015). Collection method: clinical testing. Allele origin: germline.
Comment: In summary, the available evidence is currently insufficient to determine the role of this variant in disease. Therefore, it has been classified as a Variant of Uncertain Significance. Experimental studies and prediction algorithms are not available or were not evaluated, and the functional significance of this variant is currently unknown. This variant has not been reported in the literature in individuals affected with LRBA-related conditions. This variant is not present in population databases (gnomAD no frequency). This variant, c.1874_1876del, results in the deletion of 1 amino acid(s) of the LRBA protein (p.Tyr625del), but otherwise preserves the integrity of the reading frame.